The following is an entry in ClinVar:

ClinVar aggregate classification (germline): Uncertain significance (1 of 4 stars; one submission).

Submission:

GeneDx
Classification: Uncertain significance. Last evaluated: 2025-12-29. Review status: criteria provided, single submitter. Criteria: GeneDx Variant Classification Process June 2021. Collection method: clinical testing. Allele origin: germline.
Comment: Not observed at significant frequency in large population cohorts (gnomAD); In silico analysis suggests that this missense variant does not alter protein structure/function; Has not been previously published as pathogenic or benign to our knowledge

NM_001367479.1(DNAH14):c.3638A>G (p.Asn1213Ser)

Gene: DNAH14 (dynein axonemal heavy chain 14; plus strand). Cytogenetic location: 1q42.12.
Variant type: single nucleotide variant.
Coding change: c.3638A>G on transcript NM_001367479.1 (MANE Select); coding-DNA position 3638, A replaced by G.
Protein change: p.Asn1213Ser; replaces asparagine 1213 with serine.
Molecular consequence: missense variant.
Genome position (GRCh38, 1-based): chr1:225,097,182, A>G. VCF-style: chr1-225097182-A-G. GRCh37 (hg19) VCF-style: chr1-225284884-A-G.
Other names: NM_001373.1:c.3638A>G; short protein forms N1213S.
Identifiers: ClinVar variation 3893630 (VCV003893630.2).